The following is an entry in ClinVar:

ClinVar aggregate classification (germline): Uncertain significance (1 of 4 stars; one submission).

Conditions:
Tuberous sclerosis 2 (TSC2). Identifiers: Orphanet 805, MedGen C1860707, MONDO:0013199, OMIM 613254.

Submission:

Labcorp Genetics (formerly Invitae), Labcorp
Classification: Uncertain significance for Tuberous sclerosis 2. Last evaluated: 2023-05-30. Review status: criteria provided, single submitter. Criteria: Invitae Variant Classification Sherloc (09022015). Collection method: clinical testing. Allele origin: germline.
Comment: This sequence change replaces alanine, which is neutral and non-polar, with serine, which is neutral and polar, at codon 1040 of the TSC2 protein (p.Ala1040Ser). This variant is not present in population databases (gnomAD no frequency). This variant has not been reported in the literature in individuals affected with TSC2-related conditions. Advanced modeling of protein sequence and biophysical properties (such as structural, functional, and spatial information, amino acid conservation, physicochemical variation, residue mobility, and thermodynamic stability) performed at Invitae indicates that this missense variant is not expected to disrupt TSC2 protein function. Algorithms developed to predict the effect of sequence changes on RNA splicing suggest that this variant may create or strengthen a splice site. In summary, the available evidence is currently insufficient to determine the role of this variant in disease. Therefore, it has been classified as a Variant of Uncertain Significance.

NM_000548.5(TSC2):c.3118G>T (p.Ala1040Ser)

Gene: TSC2 (TSC complex subunit 2; plus strand). Cytogenetic location: 16p13.3.
Variant type: single nucleotide variant.
Coding change: c.3118G>T on transcript NM_000548.5 (MANE Select); coding-DNA position 3118, G replaced by T.
Protein change: p.Ala1040Ser; replaces alanine 1040 with serine.
Molecular consequence: missense variant. On other transcripts: non-coding transcript variant (5).
Genome position (GRCh38, 1-based): chr16:2,079,183, G>T. VCF-style: chr16-2079183-G-T. GRCh37 (hg19) VCF-style: chr16-2129184-G-T.
Other names: c.2986G>T, p.Ala996Ser (NM_001077183.3, NM_001370404.1, NM_001406665.1); c.3118G>T, p.Ala1040Ser (NM_001114382.3); c.2878G>T, p.Ala960Ser (NM_001318827.2); c.2842G>T, p.Ala948Ser (NM_001318829.2); c.2386G>T, p.Ala796Ser (NM_001318831.2, NM_001406687.1, NM_001406688.1); c.3019G>T, p.Ala1007Ser (NM_001318832.2); c.2989G>T, p.Ala997Ser (NM_001363528.2, NM_001370405.1, NM_021055.3); c.3115G>T, p.Ala1039Ser (NM_001406663.1, NM_001406664.1); and 18 more; short protein forms A1027S, A1039S, A549S, A948S, A959S, A990S, A996S, A1003S.
Identifiers: ClinVar variation 2749959 (VCV002749959.3), dbSNP rs2151434791, ClinGen allele CA394284899.